The following is an entry in ClinVar:

ClinVar aggregate classification (germline): Uncertain significance (1 of 4 stars; one submission).

Allele frequency attached by ClinVar (database versions not stated): gnomAD 0.00001.

Submission:

Labcorp Genetics (formerly Invitae), Labcorp
Classification: Uncertain significance. Last evaluated: 2022-04-24. Review status: criteria provided, single submitter. Criteria: Invitae Variant Classification Sherloc (09022015). Collection method: clinical testing. Allele origin: germline.
Comment: In summary, the available evidence is currently insufficient to determine the role of this variant in disease. Therefore, it has been classified as a Variant of Uncertain Significance. Experimental studies and prediction algorithms are not available or were not evaluated, and the functional significance of this variant is currently unknown. This variant has not been reported in the literature in individuals affected with PPM1D-related conditions. This variant is not present in population databases (gnomAD no frequency). This sequence change creates a premature translational stop signal (p.Leu450*) in the PPM1D gene. While this is not anticipated to result in nonsense mediated decay, it is expected to disrupt the last 156 amino acid(s) of the PPM1D protein.

NM_003620.4(PPM1D):c.1349T>G (p.Leu450Ter)

Gene: PPM1D (protein phosphatase, Mg2+/Mn2+ dependent 1D; plus strand). Cytogenetic location: 17q23.2.
Variant type: single nucleotide variant.
Coding change: c.1349T>G on transcript NM_003620.4 (MANE Select); coding-DNA position 1349, T replaced by G.
Protein change: p.Leu450Ter; replaces leucine 450 with a stop codon.
Molecular consequence: nonsense.
Genome position (GRCh38, 1-based): chr17:60,663,083, T>G. VCF-style: chr17-60663083-T-G. GRCh37 (hg19) VCF-style: chr17-58740444-T-G.
Other names: short protein forms L450*.
Identifiers: ClinVar variation 1723225 (VCV001723225.7), dbSNP rs1163049039, ClinGen allele CA400456679.